The following is an entry in ClinVar:

ClinVar aggregate classification (germline): Likely benign (1 of 4 stars; one submission).

Allele frequency attached by ClinVar (database versions not stated): TOPMed 0.00001.
gnomAD v4.1: 20 of 1,610,886 alleles (0.0012%); highest among the groups gnomAD compares: Non-Finnish European, 0.0016%; no homozygotes.

Submission:

GeneDx
Classification: Likely benign. Last evaluated: 2018-05-07. Review status: criteria provided, single submitter. Criteria: GeneDx Variant Classification (06012015). Collection method: clinical testing. Allele origin: germline. Affected: yes.
Comment: This variant is considered likely benign or benign based on one or more of the following criteria: it is a conservative change, it occurs at a poorly conserved position in the protein, it is predicted to be benign by multiple in silico algorithms, and/or has population frequency not consistent with disease.

NM_004393.6(DAG1):c.-24G>T

Gene: DAG1 (dystroglycan 1; plus strand). Cytogenetic location: 3p21.31.
Variant type: single nucleotide variant.
Coding change: c.-24G>T on transcript NM_004393.6 (MANE Select); 24 bases upstream of the start codon, G replaced by T.
Molecular consequence: 5 prime UTR variant.
Genome position (GRCh38, 1-based): chr3:49,510,511, G>T. VCF-style: chr3-49510511-G-T. GRCh37 (hg19) VCF-style: chr3-49547944-G-T.
Other names: c.-24G>T (NM_001165928.4, NM_001177634.3, NM_001177635.3 and 9 more transcripts).
Identifiers: ClinVar variation 668182 (VCV000668182.2), dbSNP rs750907019, ClinGen allele CA543049677.